The following is an entry in ClinVar:

NM_032122.5(DTNBP1):c.997dup (p.Ala333fs)

Gene: DTNBP1 (dystrobrevin binding protein 1; minus strand). Cytogenetic location: 6p22.3.
Variant type: Duplication.
Coding change: c.997dup on transcript NM_032122.5 (MANE Select); coding-DNA position 997, one base duplicated (G; older notation c.997dupG).
Protein change: p.Ala333fs; shifts the reading frame from alanine 333.
Molecular consequence: frameshift variant.
Genome position (GRCh38, 1-based): chr6:15,523,034, C duplicated on the plus strand (G on the coding strand, the reverse complement: DTNBP1 is on the minus strand); the first of 2 consecutive C bases (chr6:15,523,034-15,523,035); duplicating either gives the same sequence. VCF-style (leftmost placement, unchanged base first): chr6-15523033-G-GC. GRCh37 (hg19) VCF-style: chr6-15523264-G-GC.
Other names: c.754dup, p.Ala252fs (NM_001271667.2); c.946dup, p.Ala316fs (NM_001271668.2); c.892dup, p.Ala298fs (NM_001271669.2); short protein forms A316fs, A333fs, A298fs, A252fs.
Identifiers: ClinVar variation 1477698 (VCV001477698.6), dbSNP rs2127784180, ClinGen allele CA2573140183.
Genomic context (GRCh38, chr6:15,523,033, plus strand): 5'-ATTTAAGAGTCGCTGTCCTCACCACCATCCGGAGTGGCCTCTCTGTCAGTGTGTGATGTG[G>GC]CCAGGGCAGTGTCCACCTGAACTTCCTCCTCATCGGACTGAACAACGGGGGACTCCCCAC-3'

ClinVar aggregate classification (germline): Uncertain significance (1 of 4 stars; one submission).

Submission:

Labcorp Genetics (formerly Invitae), Labcorp
Classification: Uncertain significance. Last evaluated: 2021-09-26. Review status: criteria provided, single submitter. Criteria: Invitae Variant Classification Sherloc (09022015). Collection method: clinical testing. Allele origin: germline.
Comment: Experimental studies and prediction algorithms are not available or were not evaluated, and the functional significance of this variant is currently unknown. This variant has not been reported in the literature in individuals affected with DTNBP1-related conditions. This variant is not present in population databases (ExAC no frequency). This sequence change creates a premature translational stop signal (p.Ala333Glyfs*6) in the DTNBP1 gene. While this is not anticipated to result in nonsense mediated decay, it is expected to disrupt the last 19 amino acid(s) of the DTNBP1 protein. In summary, the available evidence is currently insufficient to determine the role of this variant in disease. Therefore, it has been classified as a Variant of Uncertain Significance.